The following is an entry in ClinVar:

ClinVar aggregate classification (germline): Pathogenic (1 of 4 stars; one submission).

Conditions:
Complex neurodevelopmental disorder. Identifiers: Orphanet 528084, MedGen C5568766, MONDO:0100038.

gnomAD v4.1: 10 of 1,551,640 alleles (0.00064%); highest among the groups gnomAD compares: Non-Finnish European, 0.00087%; no homozygotes.

Submission:

Victorian Clinical Genetics Services, Murdoch Childrens Research Institute
Classification: Pathogenic for Complex neurodevelopmental disorder. Last evaluated: 2024-10-09. Review status: criteria provided, single submitter. Criteria: ACMG Guidelines, 2015. Collection method: clinical testing. Allele origin: germline. Inheritance: Autosomal dominant inheritance. Affected: yes.
Comment: Based on the classification scheme VCGS_Germline_v1.3.4, this variant is classified as Pathogenic. Following criteria are met: 0102 - Loss of function is a known mechanism of disease in this gene and is associated with complex neurodevelopmental disorder (MONDO:0100038), SHANK2-related. (I) 0107 - This gene is associated with autosomal dominant disease. (I) 0201 - Variant is predicted to cause nonsense-mediated decay (NMD) and loss of protein (premature termination codon is located at least 54 nucleotides upstream of the final exon-exon junction). (SP) 0251 - This variant is heterozygous. (I) 0301 - Variant is absent from gnomAD (both v2 and v3). (SP) 0701 - Other NMD-predicted variants comparable to the one identified in this case have very strong previous evidence for pathogenicity (DECIPHER). (SP) 0807 - This variant has no previous evidence of pathogenicity. (I) 0905 - No published segregation evidence has been identified for this variant. (I) 1007 - No published functional evidence has been identified for this variant. (I) 1208 - Inheritance information for this variant is not currently available in this individual. (I) Legend: (SP) - Supporting pathogenic, (I) - Information, (SB) - Supporting benign

NM_012309.5(SHANK2):c.420C>G (p.Tyr140Ter)

Gene: SHANK2 (SH3 and multiple ankyrin repeat domains 2; minus strand). Cytogenetic location: 11q13.4.
Variant type: single nucleotide variant.
Coding change: c.420C>G on transcript NM_012309.5 (MANE Select); coding-DNA position 420, C replaced by G.
Protein change: p.Tyr140Ter; replaces tyrosine 140 with a stop codon.
Molecular consequence: nonsense.
Genome position (GRCh38, 1-based): chr11:71,113,356, G>C on the plus strand (C>G on the coding strand, the complement: SHANK2 is on the minus strand). VCF-style: chr11-71113356-G-C. GRCh37 (hg19) VCF-style: chr11-70824402-G-C.
Other names: short protein forms Y140*.
Identifiers: ClinVar variation 3377208 (VCV003377208.1).